The following is an entry in ClinVar:

ClinVar aggregate classification (germline): Uncertain significance (1 of 4 stars; one submission).

Submission:

GeneDx
Classification: Uncertain significance. Last evaluated: 2023-12-28. Review status: criteria provided, single submitter. Criteria: GeneDx Variant Classification Process June 2021. Collection method: clinical testing. Allele origin: germline. Affected: yes.
Comment: Not observed at significant frequency in large population cohorts (gnomAD); In silico analysis supports that this missense variant has a deleterious effect on protein structure/function; Has not been previously published as pathogenic or benign to our knowledge

NM_003868.3(FGF16):c.494T>C (p.Leu165Pro)

Gene: FGF16 (fibroblast growth factor 16; plus strand). Cytogenetic location: Xq21.1.
Variant type: single nucleotide variant.
Coding change: c.494T>C on transcript NM_003868.3 (MANE Select); coding-DNA position 494, T replaced by C.
Protein change: p.Leu165Pro; replaces leucine 165 with proline.
Molecular consequence: missense variant.
Genome position (GRCh38, 1-based): chrX:77,456,392, T>C. VCF-style: chrX-77456392-T-C. GRCh37 (hg19) VCF-style: chrX-76711883-T-C.
Other names: short protein forms L165P.
Identifiers: ClinVar variation 3370054 (VCV003370054.1).
Genomic context (GRCh38, chrX:77,456,392, plus strand): 5'-ACACCTATGCCTCAACCTTGTACAAACATTCGGACTCAGAGAGACAGTATTACGTGGCCC[T>C]GAACAAAGATGGCTCACCCCGGGAGGGATACAGGACTAAACGACACCAGAAATTCACTCA-3'
Protein context (NP_003859.1, residues 155-175): SDSERQYYVA[Leu165Pro]NKDGSPREGY